The following is an entry in ClinVar:

NM_001358921.2(COQ2):c.801G>A (p.Thr267=)

Gene: COQ2 (coenzyme Q2, polyprenyltransferase; minus strand). Cytogenetic location: 4q21.23.
Variant type: single nucleotide variant.
Coding change: c.801G>A on transcript NM_001358921.2 (MANE Select); coding-DNA position 801, G replaced by A.
Protein change: p.Thr267=; no amino-acid change (threonine 267 retained).
Molecular consequence: synonymous variant.
Genome position (GRCh38, 1-based): chr4:83,267,736, C>T on the plus strand (G>A on the coding strand, the complement: COQ2 is on the minus strand). VCF-style: chr4-83267736-C-T. GRCh37 (hg19) VCF-style: chr4-84188889-C-T.
Other names: c.951G>A, p.Thr317= (NM_015697.9); c.951G>A (NM_015697.7).
Identifiers: ClinVar variation 3021852 (VCV003021852.6), dbSNP rs774220803, ClinGen allele CA2988503.

ClinVar aggregate classification (germline): Conflicting classifications of pathogenicity. Review status: criteria provided, conflicting classifications (1 of 4 stars). 4 submissions from 4 submitters: Uncertain significance (1); Likely benign (3). Last evaluated 2025-03-11.

Conditions:
Inborn genetic diseases. Identifiers: MedGen C0950123, MeSH D030342.

Allele frequency attached by ClinVar (database versions not stated): gnomAD 0.00001; gnomAD exomes 0.00001.
gnomAD v4.1: 11 of 1,551,860 alleles (0.00071%); highest among the groups gnomAD compares: East Asian, 0.0098%; no homozygotes.

Submissions (4):

Women's Health and Genetics/Laboratory Corporation of America, LabCorp
Classification: Likely benign. Last evaluated: 2025-03-11. Review status: criteria provided, single submitter. Criteria: LabCorp Variant Classification Summary - May 2015. Collection method: clinical testing. Allele origin: germline.

Ambry Genetics
Classification: Uncertain significance for Inborn genetic diseases. Last evaluated: 2025-03-03. Review status: criteria provided, single submitter. Criteria: Ambry Variant Classification Scheme 2023. Collection method: clinical testing. Allele origin: germline.
Comment: The c.951G>A (p.T317T) alteration is located in exon 6 (coding exon 6) of the COQ2 gene. This alteration consists of a G to A substitution at nucleotide position 951. This nucleotide substitution does not change the amino acid at codon 317. However, this change occurs in the last nucleotide of Exon 6 (c.913_1101) which makes it likely to have some effect on normal mRNA splicing. Based on insufficient or conflicting evidence, the clinical significance of this alteration remains unclear.

Blueprint Genetics
Classification: Likely benign. Last evaluated: 2024-10-17. Review status: criteria provided, single submitter. Criteria: ACMG Guidelines, 2015. Collection method: clinical testing. Allele origin: germline.

Labcorp Genetics (formerly Invitae), Labcorp
Classification: Likely benign. Last evaluated: 2024-07-12. Review status: criteria provided, single submitter. Criteria: Invitae Variant Classification Sherloc (09022015). Collection method: clinical testing. Allele origin: germline.